The following is an entry in ClinVar:

ClinVar aggregate classification (germline): Pathogenic (1 of 4 stars; one submission).

Conditions:
3-hydroxy-3-methylglutaryl-CoA synthase deficiency (HMGCS2D). Also called: MITOCHONDRIAL HMG-CoA SYNTHASE DEFICIENCY; HMGCS2 DEFICIENCY; HMG-CoA synthase-2 deficiency. Identifiers: Orphanet 35701, MedGen C2751532, MONDO:0011614, OMIM 605911.

Submission:

Labcorp Genetics (formerly Invitae), Labcorp
Classification: Pathogenic for 3-hydroxy-3-methylglutaryl-CoA synthase deficiency. Last evaluated: 2024-10-05. Review status: criteria provided, single submitter. Criteria: Invitae Variant Classification Sherloc (09022015). Collection method: clinical testing. Allele origin: germline.
Comment: This sequence change creates a premature translational stop signal (p.Tyr270*) in the HMGCS2 gene. It is expected to result in an absent or disrupted protein product. Loss-of-function variants in HMGCS2 are known to be pathogenic (PMID: 20346956, 23751782, 25511235). This variant is not present in population databases (gnomAD no frequency). This variant has not been reported in the literature in individuals affected with HMGCS2-related conditions. For these reasons, this variant has been classified as Pathogenic.

Literature cited by the submitters: PubMed 20346956; PubMed 23751782; PubMed 25511235.

NM_005518.4(HMGCS2):c.810C>G (p.Tyr270Ter)

Gene: HMGCS2 (3-hydroxy-3-methylglutaryl-CoA synthase 2; minus strand). Cytogenetic location: 1p12.
Variant type: single nucleotide variant.
Coding change: c.810C>G on transcript NM_005518.4 (MANE Select); coding-DNA position 810, C replaced by G.
Protein change: p.Tyr270Ter; replaces tyrosine 270 with a stop codon.
Molecular consequence: nonsense.
Genome position (GRCh38, 1-based): chr1:119,759,158, G>C on the plus strand (C>G on the coding strand, the complement: HMGCS2 is on the minus strand). VCF-style: chr1-119759158-G-C. GRCh37 (hg19) VCF-style: chr1-120301781-G-C.
Other names: c.684C>G, p.Tyr228Ter (NM_001166107.1); short protein forms Y270*, Y228*.
Identifiers: ClinVar variation 3730215 (VCV003730215.2), dbSNP rs751009381.